The following is an entry in ClinVar:

NM_003839.4(TNFRSF11A):c.218C>T (p.Pro73Leu)

Gene: TNFRSF11A (TNF receptor superfamily member 11a; plus strand). Cytogenetic location: 18q21.33.
Variant type: single nucleotide variant.
Coding change: c.218C>T on transcript NM_003839.4 (MANE Select); coding-DNA position 218, C replaced by T.
Protein change: p.Pro73Leu; replaces proline 73 with leucine.
Molecular consequence: missense variant.
Genome position (GRCh38, 1-based): chr18:62,349,872, C>T. VCF-style: chr18-62349872-C-T. GRCh37 (hg19) VCF-style: chr18-60017105-C-T.
Other names: c.218C>T, p.Pro73Leu (NM_001270949.2, NM_001270950.2, NM_001270951.2 and 1 more transcripts); short protein forms P73L.
Identifiers: ClinVar variation 1948715 (VCV001948715.5), dbSNP rs572468327, ClinGen allele CA8983674.
Genomic context (GRCh38, chr18:62,349,872, plus strand): 5'-GAAAGTACATGTCTTCTAAATGCACTACTACCTCTGACAGTGTATGTCTGCCCTGTGGCC[C>T]GGATGAATACTTGGATAGCTGGAATGAAGAAGATAAATGCTTGCTGCATAAAGTTTGTGA-3'
Protein context (NP_003830.1, residues 63-83): TSDSVCLPCG[Pro73Leu]DEYLDSWNEE

ClinVar aggregate classification (germline): Uncertain significance (1 of 4 stars; one submission).

Allele frequency attached by ClinVar (database versions not stated): gnomAD 0.00001; gnomAD exomes 0.00001; ExAC 0.00002.

Submission:

Labcorp Genetics (formerly Invitae), Labcorp
Classification: Uncertain significance. Last evaluated: 2023-02-01. Review status: criteria provided, single submitter. Criteria: Invitae Variant Classification Sherloc (09022015). Collection method: clinical testing. Allele origin: germline.
Comment: This variant is present in population databases (rs572468327, gnomAD 0.008%). This variant has not been reported in the literature in individuals affected with TNFRSF11A-related conditions. Advanced modeling of protein sequence and biophysical properties (such as structural, functional, and spatial information, amino acid conservation, physicochemical variation, residue mobility, and thermodynamic stability) performed at Invitae indicates that this missense variant is not expected to disrupt TNFRSF11A protein function. In summary, the available evidence is currently insufficient to determine the role of this variant in disease. Therefore, it has been classified as a Variant of Uncertain Significance. This sequence change replaces proline, which is neutral and non-polar, with leucine, which is neutral and non-polar, at codon 73 of the TNFRSF11A protein (p.Pro73Leu).